The following is an entry in ClinVar:

NM_032043.3(BRIP1):c.2440C>G (p.Arg814Gly)

Gene: BRIP1 (BRCA1 interacting DNA helicase 1; minus strand). Cytogenetic location: 17q23.2.
Variant type: single nucleotide variant.
Coding change: c.2440C>G on transcript NM_032043.3 (MANE Select); coding-DNA position 2440, C replaced by G.
Protein change: p.Arg814Gly; replaces arginine 814 with glycine.
Molecular consequence: missense variant.
Genome position (GRCh38, 1-based): chr17:61,716,003, G>C on the plus strand (C>G on the coding strand, the complement: BRIP1 is on the minus strand). VCF-style: chr17-61716003-G-C. GRCh37 (hg19) VCF-style: chr17-59793364-G-C.
Other names: short protein forms R814G.
Identifiers: ClinVar variation 418941 (VCV000418941.15), dbSNP rs201869624, ClinGen allele CA16620518.
Genomic context (GRCh38, chr17:61,716,003, plus strand): 5'-CCACTTACCTACCAAGGGCCTGGTTTAAGGCCCTGTATGCTTGAATTTCATACCACTGAC[G>C]GCCAGGTAGAAGACCTCTCAATTTTGAATGGTGGTCATTGTATTGTCGTTTTAGTTCAAC-3'
Protein context (NP_114432.2, residues 804-824): HSKLRGLLPG[Arg814Gly]QWYEIQAYRA

ClinVar aggregate classification (germline): Uncertain significance. Review status: criteria provided, multiple submitters, no conflicts (2 of 4 stars). 3 submissions from 3 submitters: Uncertain significance (3). Last evaluated 2025-10-28.

Conditions:
Hereditary cancer-predisposing syndrome. Also called: Hereditary neoplastic syndrome; Hereditary Cancer Syndrome; Neoplastic Syndromes, Hereditary; Tumor predisposition. Identifiers: Orphanet 140162, MedGen C0027672, MeSH D009386, MONDO:0015356.
Fanconi anemia complementation group J. Also called: BRIP1-Related Fanconi Anemia. Identifiers: Orphanet 84, MedGen C1836860, MONDO:0012187, OMIM 609054.
Familial cancer of breast. Also called: hereditary breast carcinoma; Hereditary breast cancer; BREAST CANCER, FAMILIAL. Identifiers: Orphanet 227535, MedGen C0346153, MONDO:0016419, OMIM 114480. Disease mechanism: loss of function.

Submissions (3):

Ambry Genetics
Classification: Uncertain significance for Hereditary cancer-predisposing syndrome. Last evaluated: 2025-10-28. Review status: criteria provided, single submitter. Criteria: Ambry Variant Classification Scheme 2023. Collection method: clinical testing. Allele origin: germline.
Comment: The p.R814G variant (also known as c.2440C>G), located in coding exon 16 of the BRIP1 gene, results from a C to G substitution at nucleotide position 2440. The arginine at codon 814 is replaced by glycine, an amino acid with dissimilar properties. This amino acid position is not well conserved in available vertebrate species. In addition, the in silico prediction for this alteration is inconclusive. Since supporting evidence is limited at this time, the clinical significance of this alteration remains unclear.

Labcorp Genetics (formerly Invitae), Labcorp
Classification: Uncertain significance for Familial cancer of breast; Fanconi anemia complementation group J. Last evaluated: 2025-06-11. Review status: criteria provided, single submitter. Criteria: Invitae Variant Classification Sherloc (09022015). Collection method: clinical testing. Allele origin: germline.
Comment: This sequence change replaces arginine, which is basic and polar, with glycine, which is neutral and non-polar, at codon 814 of the BRIP1 protein (p.Arg814Gly). This variant is not present in population databases (gnomAD no frequency). This variant has not been reported in the literature in individuals affected with BRIP1-related conditions. ClinVar contains an entry for this variant (Variation ID: 418941). Invitae Evidence Modeling of protein sequence and biophysical properties (such as structural, functional, and spatial information, amino acid conservation, physicochemical variation, residue mobility, and thermodynamic stability) indicates that this missense variant is not expected to disrupt BRIP1 protein function with a negative predictive value of 95%. In summary, the available evidence is currently insufficient to determine the role of this variant in disease. Therefore, it has been classified as a Variant of Uncertain Significance.

GeneDx
Classification: Uncertain significance. Last evaluated: 2015-05-01. Review status: criteria provided, single submitter. Criteria: GeneDx Variant Classification (06012015). Collection method: clinical testing. Allele origin: germline. Affected: yes.
Comment: This variant is denoted BRIP1 c.2440C>G at the cDNA level, p.Arg814Gly (R814G) at the protein level, and results in the change of an Arginine to a Glycine (CGT>GGT). This variant has not, to our knowledge, been published in the literature as pathogenic or benign. BRIP1 Arg814Gly was not observed in approximately 6,500 individuals of European and African American ancestry in the NHLBI Exome Sequencing Project, indicating it is not a common benign variant in these populations. Since Arginine and Glycine differ in polarity, charge, size or other properties, this is considered a non-conservative amino acid substitution. BRIP1 Arg814Gly occurs at a position that is conserved in mammals and is within the 6th ATPase/helicase motif (Cantor 2011). While protein-based in silico analyses are inconsistent regarding the effect this variant may have on protein structure and function, multiple splicing models predict that this variant may create a cryptic splice donor site and possibly lead to abnormal splicing. However, in the absence of RNA or functional studies, the actual effect of this variant is unknown. Based on currently available information, it is unclear whether BRIP1 Arg814Gly is pathogenic or benign. We consider it to be a variant of uncertain significance.